The following is an entry in ClinVar:

NM_000439.5(PCSK1):c.1096-9G>A

Genes: CAST (calpastatin; plus strand), PCSK1 (proprotein convertase subtilisin/kexin type 1; minus strand), LOC101929710 (uncharacterized LOC101929710; plus strand). Cytogenetic location: 5q15.
Variant type: single nucleotide variant.
Coding change: c.1096-9G>A on transcript NM_000439.5 (MANE Select); 9 bases into the intron before coding-DNA position 1096, G replaced by A.
Molecular consequence: intron variant.
Genome position (GRCh38, 1-based): chr5:96,408,332, C>T on the plus strand (G>A on the coding strand, the complement: PCSK1 is on the minus strand). VCF-style: chr5-96408332-C-T. GRCh37 (hg19) VCF-style: chr5-95744036-C-T.
Other names: c.-175+28680C>T (NM_001423254.1, NM_001423259.1, NM_001423255.1 and 6 more transcripts); c.-103+28680C>T (NM_001423253.1); c.-40+28680C>T (NM_001423258.1); c.955-9G>A (NM_001177875.2).
Identifiers: ClinVar variation 3051580 (VCV003051580.2), dbSNP rs547355035, ClinGen allele CA3350296.
Genomic context (GRCh38, chr5:96,408,332, plus strand): 5'-CCGAGGTGCCTGTGTGCGTCTCCGTGCAGTCATTGTGCAGGTCAGCGCTCGTCTGGATGA[C>T]GTCAGGAAGGAGAGAAAGGCAGGGAGAACACGTGAGGAGTGTGGGCCTGTCTTGGGGGTT-3'

ClinVar aggregate classification (germline): Likely benign (0 of 4 stars; one submission).

Conditions:
PCSK1-related disorder. Also called: PCSK1-related condition.

Allele frequency attached by ClinVar (database versions not stated): gnomAD 0.00002; gnomAD exomes 0.00003; 1000 Genomes Project 30x 0.00031; ExAC 0.00005; TOPMed 0.00003; 1000 Genomes Project 0.00020.
gnomAD v4.1: 49 of 1,608,510 alleles (0.003%); highest among the groups gnomAD compares: South Asian, 0.011%; no homozygotes.

Submission:

PreventionGenetics, part of Exact Sciences
Classification: Likely benign for PCSK1-related condition. Last evaluated: 2022-11-23. Review status: no assertion criteria provided. Collection method: clinical testing. Allele origin: germline.
Comment: This variant is classified as likely benign based on ACMG/AMP sequence variant interpretation guidelines (Richards et al. 2015 PMID: 25741868, with internal and published modifications).